The following is an entry in ClinVar:

ClinVar aggregate classification (germline): Uncertain significance (1 of 4 stars; one submission).

Conditions:
Cardiovascular phenotype. Identifiers: MedGen CN230736.

gnomAD v4.1: 3 of 1,614,114 alleles (0.00019%); highest among the groups gnomAD compares: Middle Eastern, 0.016%; no homozygotes.

Submission:

Ambry Genetics
Classification: Uncertain significance for Cardiovascular phenotype. Last evaluated: 2024-11-27. Review status: criteria provided, single submitter. Criteria: Ambry Variant Classification Scheme 2023. Collection method: clinical testing. Allele origin: germline.
Comment: The p.R3237L variant (also known as c.9710G>T), located in coding exon 40 of the AKAP9 gene, results from a G to T substitution at nucleotide position 9710. The arginine at codon 3237 is replaced by leucine, an amino acid with dissimilar properties. This amino acid position is conserved. In addition, this alteration is predicted to be tolerated by in silico analysis. Based on the available evidence, the clinical significance of this variant remains unclear.

NM_005751.5(AKAP9):c.9710G>T (p.Arg3237Leu)

Gene: AKAP9 (A-kinase anchoring protein 9; plus strand). Cytogenetic location: 7q21.2.
Variant type: single nucleotide variant.
Coding change: c.9710G>T on transcript NM_005751.5 (MANE Select); coding-DNA position 9710, G replaced by T.
Protein change: p.Arg3237Leu; replaces arginine 3237 with leucine.
Molecular consequence: missense variant.
Genome position (GRCh38, 1-based): chr7:92,095,154, G>T. VCF-style: chr7-92095154-G-T. GRCh37 (hg19) VCF-style: chr7-91724468-G-T.
Other names: c.4355G>T, p.Arg1452Leu (NM_001379277.1); c.9686G>T, p.Arg3229Leu (NM_147185.3); short protein forms R3229L, R3237L, R1452L.
Identifiers: ClinVar variation 3517348 (VCV003517348.1).